The following is an entry in ClinVar:

NM_003900.5(SQSTM1):c.1198C>A (p.Gln400Lys)

Gene: SQSTM1 (sequestosome 1; plus strand). Cytogenetic location: 5q35.3.
Variant type: single nucleotide variant.
Coding change: c.1198C>A on transcript NM_003900.5 (MANE Select); coding-DNA position 1198, C replaced by A.
Protein change: p.Gln400Lys; replaces glutamine 400 with lysine.
Molecular consequence: missense variant.
Genome position (GRCh38, 1-based): chr5:179,836,468, C>A. VCF-style: chr5-179836468-C-A. GRCh37 (hg19) VCF-style: chr5-179263468-C-A.
Other names: c.946C>A, p.Gln316Lys (NM_001142298.2, NM_001142299.2); short protein forms Q316K, Q400K.
Identifiers: ClinVar variation 1719645 (VCV001719645.5), dbSNP rs1260660969, ClinGen allele CA362453680.
Genomic context (GRCh38, chr5:179,836,468, plus strand): 5'-CCTCATGGCTTCCTTACTGTTTCGGCAGAGGCTGACCCGCGGCTGATTGAGTCCCTCTCC[C>A]AGATGCTGTCCATGGGCTTCTCTGATGAAGGCGGCTGGCTCACCAGGCTCCTGCAGACCA-3'
Protein context (NP_003891.1, residues 390-410): ADPRLIESLS[Gln400Lys]MLSMGFSDEG

ClinVar aggregate classification (germline): Uncertain significance (1 of 4 stars; one submission).

Conditions:
Frontotemporal dementia and/or amyotrophic lateral sclerosis 1 (FTDALS1). Also called: C9orf72 Frontotemporal Dementia and/or Amyotrophic Lateral Sclerosis; Frontotemporal dementia with motor neuron disease 1. Identifiers: Orphanet 275872, MedGen C5779877, MONDO:0007105, OMIM 105550.
Paget disease of bone 2, early-onset (PDB2). Also called: Paget disease of bone 2. Identifiers: MedGen C4085251, MONDO:0011183, OMIM 602080.

Submission:

Labcorp Genetics (formerly Invitae), Labcorp
Classification: Uncertain significance for Paget disease of bone 2, early-onset; Frontotemporal dementia and/or amyotrophic lateral sclerosis 1. Last evaluated: 2022-07-19. Review status: criteria provided, single submitter. Criteria: Invitae Variant Classification Sherloc (09022015). Collection method: clinical testing. Allele origin: germline.
Comment: This sequence change replaces glutamine, which is neutral and polar, with lysine, which is basic and polar, at codon 400 of the SQSTM1 protein (p.Gln400Lys). This variant is not present in population databases (gnomAD no frequency). This variant has not been reported in the literature in individuals affected with SQSTM1-related conditions. Algorithms developed to predict the effect of missense changes on protein structure and function (SIFT, PolyPhen-2, Align-GVGD) all suggest that this variant is likely to be tolerated. Algorithms developed to predict the effect of sequence changes on RNA splicing suggest that this variant may disrupt the consensus splice site. In summary, the available evidence is currently insufficient to determine the role of this variant in disease. Therefore, it has been classified as a Variant of Uncertain Significance.